The following is an entry in ClinVar:

ClinVar aggregate classification (germline): Uncertain significance (1 of 4 stars; one submission).

Conditions:
Inborn genetic diseases. Identifiers: MedGen C0950123, MeSH D030342.

Submission:

Ambry Genetics
Classification: Uncertain significance for Inborn genetic diseases. Last evaluated: 2025-10-11. Review status: criteria provided, single submitter. Criteria: Ambry Variant Classification Scheme 2023. Collection method: clinical testing. Allele origin: germline.
Comment: The p.R1298G variant (also known as c.3892A>G), located in coding exon 39 of the FANCA gene, results from an A to G substitution at nucleotide position 3892. The arginine at codon 1298 is replaced by glycine, an amino acid with dissimilar properties. This amino acid position is conserved. In addition, the in silico prediction for this alteration is inconclusive. Based on the available evidence, the clinical significance of this variant remains unclear.

NM_000135.4(FANCA):c.3892A>G (p.Arg1298Gly)

Genes: FANCA (FA complementation group A; minus strand), ZNF276 (zinc finger protein 276; plus strand). Cytogenetic location: 16q24.3.
Variant type: single nucleotide variant.
Coding change: c.3892A>G on transcript NM_000135.4 (MANE Select); coding-DNA position 3892, A replaced by G.
Protein change: p.Arg1298Gly; replaces arginine 1298 with glycine.
Molecular consequence: missense variant. On other transcripts: 3 prime UTR variant (2), non-coding transcript variant (4).
Genome position (GRCh38, 1-based): chr16:89,740,036, T>C on the plus strand (A>G on the coding strand, the complement: FANCA is on the minus strand). VCF-style: chr16-89740036-T-C. GRCh37 (hg19) VCF-style: chr16-89806444-T-C.
Other names: c.3892A>G, p.Arg1298Gly (NM_001286167.3); c.*1790T>C (NM_001113525.2, NM_152287.4); short protein forms R1298G.
Identifiers: ClinVar variation 4619195 (VCV004619195.1).